The following is an entry in ClinVar:

ClinVar aggregate classification (germline): Pathogenic. Review status: criteria provided, multiple submitters, no conflicts (2 of 4 stars). 5 submissions from 5 submitters: Pathogenic (4). 1 of the submissions does not count toward it. Last evaluated 2025-04-11.

Conditions:
Chuvash polycythemia. Also called: POLYCYTHEMIA, VHL-DEPENDENT. Identifiers: Orphanet 238557, MedGen C1837915, MONDO:0009892, OMIM 263400.
Von Hippel-Lindau syndrome (VHLS). Also called: von Hippel–Lindau syndrome; Von Hippel-Lindau; VHL syndrome. Identifiers: Orphanet 892, MedGen C0019562, MONDO:0008667, OMIM 193300. Disease mechanism: loss of function.
Hereditary cancer-predisposing syndrome. Also called: Tumor predisposition; Hereditary Cancer Syndrome; Neoplastic Syndromes, Hereditary; Hereditary neoplastic syndrome. Identifiers: Orphanet 140162, MedGen C0027672, MeSH D009386, MONDO:0015356.

Submissions (5):

Ambry Genetics
Classification: Pathogenic for Hereditary cancer-predisposing syndrome. Last evaluated: 2025-04-11. Review status: criteria provided, single submitter. Criteria: Ambry Variant Classification Scheme 2023. Collection method: clinical testing. Allele origin: germline.
Comment: The p.A149S pathogenic mutation (also known as c.445G>T), located in coding exon 2 of the VHL gene, results from a G to T substitution at nucleotide position 445. The alanine at codon 149 is replaced by serine, an amino acid with similar properties. In one study, this alteration displayed good segregation with disease in a total of 7 individuals from a large family with 25 cases of clinically confirmed von Hippel-Lindau disease (VHLD) type 2A. In this family, symptoms of pheochromocytoma developed on average at 12.5 years, and definitive diagnoses occurred on average at 19.9 years. Of note, this alteration is referred to as c.658G>T in this paper (Atuk NO, et al. J. Clin. Endocrinol. Metab. 1998;83(1):117-20). This mutation was found in another large Turkish family with VHLD type 2B and displayed good segregation with disease in a total of 9 individuals from this kindred (Mete T, et al. Endocrine 2014;45(1):128-35). In addition, one in vitro functional study showed that the half life of the protein created by this variant was much shorter, 0.6 hours, when compared to that of wild type protein, 3.8 hours. In addition, this alteration displayed decreased physical interaction with two chaperonin proteins when compared to wild type interactions, suggesting potential abnormalities in chaperonin binding possibly contributing to rapid degradation (Yang C, et al. Cell Rep 2013;3(1):52-9). In addition, this alteration is predicted to be deleterious by in silico analysis. This variant is considered to be rare based on population cohorts in the Genome Aggregation Database (gnomAD). Based on the supporting evidence, p.A149S is interpreted as a disease-causing mutation.

Labcorp Genetics (formerly Invitae), Labcorp
Classification: Pathogenic for Von Hippel-Lindau syndrome; Chuvash polycythemia. Last evaluated: 2020-12-06. Review status: criteria provided, single submitter. Criteria: Invitae Variant Classification Sherloc (09022015). Collection method: clinical testing. Allele origin: germline.
Comment: For these reasons, this variant has been classified as Pathogenic. Advanced modeling of protein sequence and biophysical properties (such as structural, functional, and spatial information, amino acid conservation, physicochemical variation, residue mobility, and thermodynamic stability) performed at Invitae indicates that this missense variant is expected to disrupt VHL protein function. This sequence change replaces alanine with serine at codon 149 of the VHL protein (p.Ala149Ser). The alanine residue is moderately conserved and there is a moderate physicochemical difference between alanine and serine. This variant is not present in population databases (ExAC no frequency). This variant has been observed in individual(s) with von Hippel-Lindau (VHL) syndrome (PMID: 9435426, 23673869). It has also been observed to segregate with disease in related individuals. This variant is also known as c.658G>T in the literature. ClinVar contains an entry for this variant (Variation ID: 127829).

Women's Health and Genetics/Laboratory Corporation of America, LabCorp
Classification: Pathogenic for Von Hippel-Lindau syndrome. Last evaluated: 2019-01-03. Review status: criteria provided, single submitter. Criteria: LabCorp Variant Classification Summary - May 2015. Collection method: clinical testing. Allele origin: germline.
Comment: Variant summary: VHL c.445G>T (p.Ala149Ser) results in a conservative amino acid change located in the alpha domain (IPR024048) of the encoded protein sequence. Four of five in-silico tools predict a damaging effect of the variant on protein function. The variant was absent in 246270 control chromosomes (gnomAD). c.445G>T has been reported in the literature in multiple individuals affected with Von Hippel-Lindau Syndrome (Mete_2014, Atuk_1998). These data indicate that the variant is very likely to be associated with disease. Functional studies also show that the variant of interest impairs wild-type function (Yang_2013). Two ClinVar submissions from clinical diagnostic laboratories (evaluation after 2014) cite the variant as pathogenic. Based on the evidence outlined above, the variant was classified as pathogenic.

GeneDx
Classification: Pathogenic. Last evaluated: 2013-10-21. Review status: criteria provided, single submitter. Criteria: GeneDx Variant Classification (06012015). Collection method: clinical testing. Allele origin: germline. Affected: yes.
Comment: This pathogenic variant is denoted VHL c.445G>T at the cDNA level, p.Ala149Ser (A149S) at the protein level, and results in the change of an Alanine to a Serine (GCC>TCC). This variant, previously called VHL 658G>T, has been reported in two large kindreds. Atuk et. al (1998) studied an American family with over 25 cases of Von Hippel-Lindau (VHL) disease type 2A in whom the mutation demonstrated complete segregation in the 10 affected and informative unaffected individuals who were tested. In addition, Mete et al. (2013) identified the mutation in a large Turkish kindred with VHL Type 2B. Although the mutation showed incomplete segregation - present in all 11 affected family members but also in 7 unaffected family members - all but one of the unaffected carriers were in the youngest generation and possibly not old enough to show signs of disease. In sum, the family studies support pathogenicity of this variant.VHL Ala149Ser was not observed in approximately 6,500 individuals of European and African American ancestry in the NHLBI Exome Sequencing Project. This variant is a non-conservative substitution of a neutral non-polar amino acid for a neutral polar one, altering a position that is well conserved throughout evolution and is located in the CCT binding domain. Multiple in silico algorithms predict that this mutation may be damaging to protein structure and function. Based on the currently available information, we consider VHL Ala149Ser to be a pathogenic variant.

Genomic Diagnostic Laboratory, Division of Genomic Diagnostics, Children's Hospital of Philadelphia
Classification: Pathogenic for Von Hippel-Lindau syndrome. Last evaluated: 2016-02-26. Review status: no assertion criteria provided. Collection method: clinical testing. Allele origin: germline. Observed: 8 variant alleles. Not counted in ClinVar's aggregate classification.

Literature cited by the submitters: PubMed 23318261 (cited by Ambry Genetics and Women's Health and Genetics/Laboratory Corporation of America, LabCorp); PubMed 23673869 (cited by 3 submitters); PubMed 9435426 (cited by 3 submitters).

NM_000551.4(VHL):c.445G>T (p.Ala149Ser)

Genes: VHL (von Hippel-Lindau tumor suppressor; plus strand), LOC107303340 (3p25 von Hippel-Lindau tumor suppressor, E3 ubiquitin protein ligase Alu-mediated recombination region; plus strand). Cytogenetic location: 3p25.3.
Variant type: single nucleotide variant.
Coding change: c.445G>T on transcript NM_000551.4 (MANE Select); coding-DNA position 445, G replaced by T.
Protein change: p.Ala149Ser; replaces alanine 149 with serine.
Molecular consequence: missense variant. On other transcripts: intron variant (2).
Genome position (GRCh38, 1-based): chr3:10,146,618, G>T. VCF-style: chr3-10146618-G-T. GRCh37 (hg19) VCF-style: chr3-10188302-G-T.
Other names: p.A149S:GCC>TCC; c.*18-3169G>T (NM_001354723.2); c.341-3169G>T (NM_198156.3); short protein forms A149S.
Identifiers: ClinVar variation 127829 (VCV000127829.16), dbSNP rs587780077, ClinGen allele CA020355.